The following is an entry in ClinVar:

ClinVar aggregate classification (germline): Uncertain significance (1 of 4 stars; one submission).

Submission:

Labcorp Genetics (formerly Invitae), Labcorp
Classification: Uncertain significance. Last evaluated: 2024-02-13. Review status: criteria provided, single submitter. Criteria: Invitae Variant Classification Sherloc (09022015). Collection method: clinical testing. Allele origin: germline.
Comment: This sequence change replaces leucine, which is neutral and non-polar, with valine, which is neutral and non-polar, at codon 18 of the SLC34A2 protein (p.Leu18Val). This variant is not present in population databases (gnomAD no frequency). This variant has not been reported in the literature in individuals affected with SLC34A2-related conditions. Algorithms developed to predict the effect of missense changes on protein structure and function output the following: SIFT: "Not Available"; PolyPhen-2: "Benign"; Align-GVGD: "Not Available". The valine amino acid residue is found in multiple mammalian species, which suggests that this missense change does not adversely affect protein function. In summary, the available evidence is currently insufficient to determine the role of this variant in disease. Therefore, it has been classified as a Variant of Uncertain Significance.

NM_006424.3(SLC34A2):c.52C>G (p.Leu18Val)

Gene: SLC34A2 (solute carrier family 34 member 2; plus strand). Cytogenetic location: 4p15.2.
Variant type: single nucleotide variant.
Coding change: c.52C>G on transcript NM_006424.3 (MANE Select); coding-DNA position 52, C replaced by G.
Protein change: p.Leu18Val; replaces leucine 18 with valine.
Molecular consequence: missense variant.
Genome position (GRCh38, 1-based): chr4:25,662,552, C>G. VCF-style: chr4-25662552-C-G. GRCh37 (hg19) VCF-style: chr4-25664174-C-G.
Other names: c.52C>G, p.Leu18Val (NM_001177998.2, NM_001177999.2); short protein forms L18V.
Identifiers: ClinVar variation 3688049 (VCV003688049.2).